The following is an entry in ClinVar:

NM_031935.3(HMCN1):c.1301C>T (p.Thr434Met)

Gene: HMCN1 (hemicentin 1; plus strand). Cytogenetic location: 1q31.1.
Variant type: single nucleotide variant.
Coding change: c.1301C>T on transcript NM_031935.3 (MANE Select); coding-DNA position 1301, C replaced by T.
Protein change: p.Thr434Met; replaces threonine 434 with methionine.
Molecular consequence: missense variant.
Genome position (GRCh38, 1-based): chr1:185,925,062, C>T. VCF-style: chr1-185925062-C-T. GRCh37 (hg19) VCF-style: chr1-185894194-C-T.
Other names: c.1301C>T (NM_031935.2); short protein forms T434M.
Identifiers: ClinVar variation 1949768 (VCV001949768.6), dbSNP rs369085610, ClinGen allele CA1291080.
Genomic context (GRCh38, chr1:185,925,062, plus strand): 5'-CTTCTTGCTTAAGTTTTTTGTTTTTGTTTTTGTTTTTTTTCCTAGATGCTCCCAAAGTTA[C>T]GATGCCTGAGAAAACCCCAGGATACTATCTGCAGCCGGGCCAAATTCCCTGCTCTGTTGA-3'
Protein context (NP_114141.2, residues 424-444): SSIVPDAPKV[Thr434Met]MPEKTPGYYL

ClinVar aggregate classification (germline): Uncertain significance. Review status: criteria provided, multiple submitters, no conflicts (2 of 4 stars). 2 submissions from 2 submitters: Uncertain significance (2). Last evaluated 2025-08-09.

Allele frequency attached by ClinVar (database versions not stated): ExAC 0.00001; gnomAD exomes 0.00002; gnomAD 0.00005; TOPMed 0.00005; ESP Exome Variant Server 0.00008.
gnomAD v4.1: 37 of 1,612,352 alleles (0.0023%); highest among the groups gnomAD compares: African/African-American, 0.011%; no homozygotes.

Submissions (2):

Ambry Genetics
Classification: Uncertain significance. Last evaluated: 2025-08-09. Review status: criteria provided, single submitter. Criteria: Ambry Variant Classification Scheme 2023. Collection method: clinical testing. Allele origin: germline.

Labcorp Genetics (formerly Invitae), Labcorp
Classification: Uncertain significance. Last evaluated: 2022-04-10. Review status: criteria provided, single submitter. Criteria: Invitae Variant Classification Sherloc (09022015). Collection method: clinical testing. Allele origin: germline.
Comment: This variant has not been reported in the literature in individuals affected with HMCN1-related conditions. This sequence change replaces threonine, which is neutral and polar, with methionine, which is neutral and non-polar, at codon 434 of the HMCN1 protein (p.Thr434Met). This variant is present in population databases (rs369085610, gnomAD 0.02%). Algorithms developed to predict the effect of missense changes on protein structure and function output the following: SIFT: "Deleterious"; PolyPhen-2: "Benign"; Align-GVGD: "Class C0". The methionine amino acid residue is found in multiple mammalian species, which suggests that this missense change does not adversely affect protein function. In summary, the available evidence is currently insufficient to determine the role of this variant in disease. Therefore, it has been classified as a Variant of Uncertain Significance.